The following is an entry in ClinVar:

NM_139057.4(ADAMTS17):c.2689C>T (p.His897Tyr)

Gene: ADAMTS17 (ADAM metallopeptidase with thrombospondin type 1 motif 17; minus strand). Cytogenetic location: 15q26.3.
Variant type: single nucleotide variant.
Coding change: c.2689C>T on transcript NM_139057.4 (MANE Select); coding-DNA position 2689, C replaced by T.
Protein change: p.His897Tyr; replaces histidine 897 with tyrosine.
Molecular consequence: missense variant.
Genome position (GRCh38, 1-based): chr15:99,997,492, G>A on the plus strand (C>T on the coding strand, the complement: ADAMTS17 is on the minus strand). VCF-style: chr15-99997492-G-A. GRCh37 (hg19) VCF-style: chr15-100537697-G-A.
Other names: short protein forms H897Y.
Identifiers: ClinVar variation 1362249 (VCV001362249.6), dbSNP rs2141346694, ClinGen allele CA393694206.

ClinVar aggregate classification (germline): Uncertain significance (1 of 4 stars; one submission).

gnomAD v4.1: 2 of 1,613,612 alleles (0.00012%); highest among the groups gnomAD compares: South Asian, 0.0011%; no homozygotes.

Submission:

Labcorp Genetics (formerly Invitae), Labcorp
Classification: Uncertain significance. Last evaluated: 2022-02-17. Review status: criteria provided, single submitter. Criteria: Invitae Variant Classification Sherloc (09022015). Collection method: clinical testing. Allele origin: germline.
Comment: In summary, the available evidence is currently insufficient to determine the role of this variant in disease. Therefore, it has been classified as a Variant of Uncertain Significance. Algorithms developed to predict the effect of missense changes on protein structure and function output the following: SIFT: "Not Available"; PolyPhen-2: "Benign"; Align-GVGD: "Not Available". The tyrosine amino acid residue is found in multiple mammalian species, which suggests that this missense change does not adversely affect protein function. This variant has not been reported in the literature in individuals affected with ADAMTS17-related conditions. This variant is not present in population databases (gnomAD no frequency). This sequence change replaces histidine, which is basic and polar, with tyrosine, which is neutral and polar, at codon 897 of the ADAMTS17 protein (p.His897Tyr).